The following is an entry in ClinVar:

ClinVar aggregate classification (germline): Pathogenic (1 of 4 stars; one submission).

Conditions:
Early-infantile DEE. Also called: Early infantile epileptic encephalopathy; Ohtahara syndrome; Early infantile epileptic encephalopathy with suppression bursts. Identifiers: Orphanet 1934, MedGen C0393706, MONDO:0800491.

Submission:

Labcorp Genetics (formerly Invitae), Labcorp
Classification: Pathogenic for Early-infantile DEE. Last evaluated: 2023-03-10. Review status: criteria provided, single submitter. Criteria: Invitae Variant Classification Sherloc (09022015). Collection method: clinical testing. Allele origin: germline.
Comment: ClinVar contains an entry for this variant (Variation ID: 1502166). This missense change has been observed in individual(s) with clinical features of SCN1A-related conditions (Invitae). In at least one individual the variant was observed to be de novo. This variant is not present in population databases (gnomAD no frequency). This sequence change replaces tryptophan, which is neutral and slightly polar, with cysteine, which is neutral and slightly polar, at codon 952 of the SCN1A protein (p.Trp952Cys). Advanced modeling of protein sequence and biophysical properties (such as structural, functional, and spatial information, amino acid conservation, physicochemical variation, residue mobility, and thermodynamic stability) performed at Invitae indicates that this missense variant is expected to disrupt SCN1A protein function. For these reasons, this variant has been classified as Pathogenic. This variant disrupts the p.Trp952 amino acid residue in SCN1A. Other variant(s) that disrupt this residue have been observed in individuals with SCN1A-related conditions (PMID: 18554359, 21868258), which suggests that this may be a clinically significant amino acid residue.

Literature cited by the submitters: PubMed 18554359; PubMed 21868258.

NM_001165963.4(SCN1A):c.2856G>C (p.Trp952Cys)

Gene: SCN1A (sodium voltage-gated channel alpha subunit 1; minus strand). Cytogenetic location: 2q24.3.
Variant type: single nucleotide variant.
Coding change: c.2856G>C on transcript NM_001165963.4 (MANE Select); coding-DNA position 2856, G replaced by C.
Protein change: p.Trp952Cys; replaces tryptophan 952 with cysteine.
Molecular consequence: missense variant. On other transcripts: non-coding transcript variant (1).
Genome position (GRCh38, 1-based): chr2:166,037,866, C>G on the plus strand (G>C on the coding strand, the complement: SCN1A is on the minus strand). VCF-style: chr2-166037866-C-G. GRCh37 (hg19) VCF-style: chr2-166894376-C-G.
Other names: c.2772G>C, p.Trp924Cys (NM_001165964.3, NM_001353957.2, NM_001353958.2); c.2856G>C, p.Trp952Cys (NM_001202435.3, NM_001353948.2); c.2823G>C, p.Trp941Cys (NM_001353949.2, NM_001353950.2, NM_001353951.2 and 2 more transcripts); c.2820G>C, p.Trp940Cys (NM_001353954.2, NM_001353955.2); c.2769G>C, p.Trp923Cys (NM_001353960.2); c.414G>C, p.Trp138Cys (NM_001353961.2); short protein forms W940C, W941C, W952C, W924C, W923C, W138C.
Identifiers: ClinVar variation 1502166 (VCV001502166.9), dbSNP rs1553541193, ClinGen allele CA349061144.
Genomic context (GRCh38, chr2:166,037,866, plus strand): 5'-GAAGACAGTAAGGCACATGGCTTGACCAGCAACCTCCATACAGTCCCACATGGTCTCTAT[C>G]CACTCCCCACACAGCACGCGGAACACAATCAGGAAGGAGTGGAAGAAGTCATTCATGTGC-3'
Protein context (NP_001159435.1, residues 942-962): LIVFRVLCGE[Trp952Cys]IETMWDCMEV